The following is an entry in ClinVar:

NM_003486.7(SLC7A5):c.132G>C (p.Val44=)

Gene: SLC7A5 (solute carrier family 7 member 5; minus strand). Cytogenetic location: 16q24.2.
Variant type: single nucleotide variant.
Coding change: c.132G>C on transcript NM_003486.7 (MANE Select); coding-DNA position 132, G replaced by C.
Protein change: p.Val44=; no amino-acid change (valine 44 retained).
Molecular consequence: synonymous variant.
Genome position (GRCh38, 1-based): chr16:87,869,291, C>G on the plus strand (G>C on the coding strand, the complement: SLC7A5 is on the minus strand). VCF-style: chr16-87869291-C-G. GRCh37 (hg19) VCF-style: chr16-87902897-C-G.
Identifiers: ClinVar variation 2646965 (VCV002646965.24), dbSNP rs2508407597, ClinGen allele CA497019336.
Genomic context (GRCh38, chr16:87,869,291, plus strand): 5'-GATAATGGTCCCCACGATGATGGCCACGCCGTTGAGCAGCGTGATGTTCCGCTGCAGGGT[C>G]ACGCCCTCGCCCTCGCCTGCCGGCGCCGAGCCGTCCGCGCTCTTGGCGGCCAGCATCTTC-3'
Protein context (NP_003477.4, residues 34-54): GSAPAGEGEG[Val44=]TLQRNITLLN

ClinVar aggregate classification (germline): Likely benign (1 of 4 stars; one submission).

Allele frequency attached by ClinVar (database versions not stated): gnomAD exomes below 0.00001.

Submission:

CeGaT Center for Human Genetics Tuebingen
Classification: Likely benign. Last evaluated: 2023-03-01. Review status: criteria provided, single submitter. Criteria: CeGaT Center For Human Genetics Tuebingen Variant Classification Criteria Version 2. Collection method: clinical testing. Allele origin: germline. Affected: yes. Observed: 1 variant allele.
Comment: SLC7A5: PM2:Supporting, BP4, BP7